The following is an entry in ClinVar:

ClinVar aggregate classification (germline): Benign (0 of 4 stars; one submission).

Conditions:
KCNQ1-related disorder. Also called: KCNQ1-related condition; KCNQ1-related disorders. Identifiers: MedGen CN239322.

Allele frequency attached by ClinVar (database versions not stated): gnomAD exomes 0.42203; TOPMed 0.43716; 1000 Genomes Project 30x 0.57464; 1000 Genomes Project 0.57947.
gnomAD v4.1: 170,000 of 398,398 alleles (43%); highest among the groups gnomAD compares: East Asian, 94%; 41,726 homozygotes.

Submission:

PreventionGenetics, part of Exact Sciences
Classification: Benign for KCNQ1-related condition. Last evaluated: 2019-07-30. Review status: no assertion criteria provided. Collection method: clinical testing. Allele origin: germline.
Comment: This variant is classified as benign based on ACMG/AMP sequence variant interpretation guidelines (Richards et al. 2015 PMID: 25741868, with internal and published modifications).

NM_000218.3(KCNQ1):c.1514+6982A>C

Genes: KCNQ1 (potassium voltage-gated channel subfamily Q member 1; plus strand), KCNQ1OT1 (KCNQ1 opposite strand/antisense transcript 1; minus strand). Cytogenetic location: 11p15.5.
Variant type: single nucleotide variant.
Coding change: c.1514+6982A>C on transcript NM_000218.3 (MANE Select); 6982 bases into the intron after coding-DNA position 1514, A replaced by C.
Molecular consequence: intron variant. On other transcripts: non-coding transcript variant (1).
Genome position (GRCh38, 1-based): chr11:2,669,063, A>C. VCF-style: chr11-2669063-A-C. GRCh37 (hg19) VCF-style: chr11-2690293-A-C.
Other names: c.1244+6982A>C (NM_001406837.1); c.1418+6982A>C (NM_001406836.1); c.974+6982A>C (NM_001406838.1); c.1133+6982A>C (NM_181798.2).
Identifiers: ClinVar variation 3059445 (VCV003059445.2), dbSNP rs151212, ClinGen allele CA13406516.